The following is an entry in ClinVar:

ClinVar aggregate classification (germline): Uncertain significance (1 of 4 stars; one submission).

gnomAD v4.1: 1 of 1,613,468 alleles (0.000062%); highest among the groups gnomAD compares: Non-Finnish European, 0.000085%; no homozygotes.

Submission:

Labcorp Genetics (formerly Invitae), Labcorp
Classification: Uncertain significance. Last evaluated: 2025-06-22. Review status: criteria provided, single submitter. Criteria: Invitae Variant Classification Sherloc (09022015). Collection method: clinical testing. Allele origin: germline.
Comment: This sequence change replaces arginine, which is basic and polar, with threonine, which is neutral and polar, at codon 84 of the ARCN1 protein (p.Arg84Thr). This variant is not present in population databases (gnomAD no frequency). This variant has not been reported in the literature in individuals affected with ARCN1-related conditions. An algorithm developed to predict the effect of missense changes on protein structure and function (PolyPhen-2) suggests that this variant is likely to be disruptive. In summary, the available evidence is currently insufficient to determine the role of this variant in disease. Therefore, it has been classified as a Variant of Uncertain Significance.

NM_001655.5(ARCN1):c.251G>C (p.Arg84Thr)

Gene: ARCN1 (archain 1 coat protein complex I subunit delta; plus strand). Cytogenetic location: 11q23.3.
Variant type: single nucleotide variant.
Coding change: c.251G>C on transcript NM_001655.5 (MANE Select); coding-DNA position 251, G replaced by C.
Protein change: p.Arg84Thr; replaces arginine 84 with threonine.
Molecular consequence: missense variant. On other transcripts: non-coding transcript variant (2), intron variant (3).
Genome position (GRCh38, 1-based): chr11:118,581,493, G>C. VCF-style: chr11-118581493-G-C. GRCh37 (hg19) VCF-style: chr11-118452208-G-C.
Other names: c.251G>C, p.Arg84Thr (NM_001425073.1, NM_001425074.1, NM_001425077.1 and 2 more transcripts); c.194G>C, p.Arg65Thr (NM_001425075.1); c.182G>C, p.Arg61Thr (NM_001425076.1); c.4-1686G>C (NM_001142281.2, NM_001425081.1); c.4-2316G>C (NM_001425080.1); short protein forms R65T, R84T, R61T.
Identifiers: ClinVar variation 4721564 (VCV004721564.1).
Genomic context (GRCh38, chr11:118,581,493, plus strand): 5'-TGTATATGGTACTGATCACTACCAAAAACAGCAACATTTTAGAAGATTTGGAGACCCTAA[G>C]GCTCTTCTCAAGAGTGGTAAGAGTACTGCTATAATACTGGGTTCCACTTTTTGTTTTACA-3'
Protein context (NP_001646.2, residues 74-94): SNILEDLETL[Arg84Thr]LFSRVIPEYC